The following is an entry in ClinVar:

NM_001079802.2(FKTN):c.911-281_911-278del

Gene: FKTN (fukutin; plus strand). Cytogenetic location: 9q31.2.
Variant type: Microsatellite.
Coding change: c.911-281_911-278del on transcript NM_001079802.2 (MANE Select); 281 bases into the intron before coding-DNA position 911 through 278 bases into the intron before coding-DNA position 911, 4 bases deleted (CAAA; older notation c.911-281_911-278delCAAA).
Molecular consequence: intron variant.
Genome position (GRCh38, 1-based): chr9:105,617,678-105,617,681, CAAA deleted; deleting any 4 consecutive bases within chr9:105,617,674-105,617,681 gives the same sequence; the c. name uses the placement nearest the transcript's 3' end. VCF-style (leftmost placement, unchanged base first): chr9-105617673-TCAAA-T. GRCh37 (hg19) VCF-style: chr9-108379954-TCAAA-T.
Other names: c.911-281_911-278del (NM_006731.2, NM_001351496.2, NM_001198963.2 and 1 more transcripts); c.515-281_515-278del (NM_001351502.2, NM_001351499.2, NM_001351500.2 and 1 more transcripts); c.842-281_842-278del (NM_001351497.2).
Identifiers: ClinVar variation 673605 (VCV000673605.1), dbSNP rs142409956, ClinGen allele CA197449774.

ClinVar aggregate classification (germline): Benign (1 of 4 stars; one submission).

Submission:

GeneDx
Classification: Benign. Last evaluated: 2018-06-16. Review status: criteria provided, single submitter. Criteria: GeneDx Variant Classification (06012015). Collection method: clinical testing. Allele origin: germline. Affected: yes.
Comment: This variant is considered likely benign or benign based on one or more of the following criteria: it is a conservative change, it occurs at a poorly conserved position in the protein, it is predicted to be benign by multiple in silico algorithms, and/or has population frequency not consistent with disease.